The following is an entry in ClinVar:

NM_023036.6(DNAI2):c.759G>A (p.Ala253=)

Gene: DNAI2 (dynein axonemal intermediate chain 2; plus strand). Cytogenetic location: 17q25.1.
Variant type: single nucleotide variant.
Coding change: c.759G>A on transcript NM_023036.6 (MANE Select); coding-DNA position 759, G replaced by A.
Protein change: p.Ala253=; no amino-acid change (alanine 253 retained).
Molecular consequence: synonymous variant. On other transcripts: non-coding transcript variant (1).
Genome position (GRCh38, 1-based): chr17:74,299,752, G>A. VCF-style: chr17-74299752-G-A. GRCh37 (hg19) VCF-style: chr17-72295891-G-A.
Other names: c.759G>A, p.Ala253= (NM_001172810.3, NM_001353167.2).
Identifiers: ClinVar variation 241453 (VCV000241453.23), dbSNP rs142656395, ClinGen allele CA8745487.

ClinVar aggregate classification (germline): Conflicting classifications of pathogenicity. Review status: criteria provided, conflicting classifications (1 of 4 stars). 7 submissions from 7 submitters: Uncertain significance (1); Benign (3); Likely benign (2). 1 of the submissions does not count toward it. Last evaluated 2026-05-01.

Conditions:
Primary ciliary dyskinesia. Also called: Ciliary dyskinesia. Identifiers: Orphanet 244, MedGen C0008780, MONDO:0016575, HP:0012265.
Primary ciliary dyskinesia 9. Also called: CILIARY DYSKINESIA, PRIMARY, 9, WITH OR WITHOUT SITUS INVERSUS. Identifiers: Orphanet 244, MedGen C2676235, MONDO:0012906, OMIM 612444.

Allele frequency attached by ClinVar (database versions not stated): gnomAD exomes 0.00048 and 0.00117; ExAC 0.00118; gnomAD 0.00343 and 0.00370; ESP Exome Variant Server 0.00354; TOPMed 0.00380; 1000 Genomes Project 30x 0.00390; 1000 Genomes Project 0.00399.
gnomAD v4.1: 1,269 of 1,613,374 alleles (0.079%); highest among the groups gnomAD compares: African/African-American, 1.2%; 8 homozygotes.

Submissions (7):

CeGaT Center for Human Genetics Tuebingen
Classification: Likely benign. Last evaluated: 2026-05-01. Review status: criteria provided, single submitter. Criteria: CeGaT Center For Human Genetics Tuebingen Variant Classification Criteria Version 2. Collection method: clinical testing. Allele origin: germline. Affected: yes. Observed: 1 variant allele.
Comment: DNAI2: BP4, BP7, BS1

Labcorp Genetics (formerly Invitae), Labcorp
Classification: Benign for Primary ciliary dyskinesia. Last evaluated: 2026-02-02. Review status: criteria provided, single submitter. Criteria: Invitae Variant Classification Sherloc (09022015). Collection method: clinical testing. Allele origin: germline.

Blueprint Genetics
Classification: Likely benign. Last evaluated: 2024-11-11. Review status: criteria provided, single submitter. Criteria: ACMG Guidelines, 2015. Collection method: clinical testing. Allele origin: germline.

Ambry Genetics
Classification: Benign for Primary ciliary dyskinesia. Last evaluated: 2021-01-06. Review status: criteria provided, single submitter. Criteria: Ambry Variant Classification Scheme 2023. Collection method: clinical testing. Allele origin: germline.

Illumina Laboratory Services, Illumina
Classification: Uncertain significance for Primary ciliary dyskinesia 9. Last evaluated: 2018-01-13. Review status: criteria provided, single submitter. Criteria: ICSL Variant Classification Criteria 13 December 2019. Collection method: clinical testing. Allele origin: germline.

PreventionGenetics, part of Exact Sciences
Classification: Benign. Review status: criteria provided, single submitter. Criteria: ACMG Guidelines, 2015. Collection method: clinical testing. Allele origin: germline.

Natera, Inc.
Classification: Benign for Primary ciliary dyskinesia. Last evaluated: 2020-09-16. Review status: no assertion criteria provided. Collection method: clinical testing. Allele origin: germline. Not counted in ClinVar's aggregate classification.